The following is an entry in ClinVar:

ClinVar aggregate classification (germline): Likely benign. Review status: criteria provided, multiple submitters, no conflicts (2 of 4 stars). 6 submissions from 6 submitters: Likely benign (6). Last evaluated 2026-01-28.

Conditions:
Congenital cataract-microcephaly-nevus flammeus simplex-severe intellectual disability syndrome. Also called: Basel-Vanagaite-Smirin-Yosef syndrome. Identifiers: Orphanet 464738, MedGen C4225323, MONDO:0014643, OMIM 616449.
Charcot-Marie-Tooth disease type 2. Also called: Charcot-Marie-Tooth type 2. Identifiers: Orphanet 64746, MedGen C0270914, MONDO:0018993.
Charcot-Marie-Tooth disease. Also called: Charcot-Marie-Tooth Neuropathy; Charcot-Marie-Tooth Hereditary Neuropathy. Identifiers: Orphanet 166, MedGen C0007959, MONDO:0015626.

Allele frequency attached by ClinVar (database versions not stated): TOPMed 0.00041; gnomAD 0.00046 and 0.00048; 1000 Genomes Project 30x 0.00047; 1000 Genomes Project 0.00060; gnomAD exomes 0.00060 and 0.00083; ExAC 0.00062; ESP Exome Variant Server 0.00077.
gnomAD v4.1: 1,279 of 1,612,930 alleles (0.079%); highest among the groups gnomAD compares: Non-Finnish European, 0.1%; 2 homozygotes.

Submissions (6):

Labcorp Genetics (formerly Invitae), Labcorp
Classification: Likely benign for Charcot-Marie-Tooth disease type 2. Last evaluated: 2026-01-28. Review status: criteria provided, single submitter. Criteria: Invitae Variant Classification Sherloc (09022015). Collection method: clinical testing. Allele origin: germline.

Blueprint Genetics
Classification: Likely benign. Last evaluated: 2024-09-17. Review status: criteria provided, single submitter. Criteria: ACMG Guidelines, 2015. Collection method: clinical testing. Allele origin: germline.

ARUP Laboratories, Molecular Genetics and Genomics, ARUP Laboratories
Classification: Likely benign for Congenital cataract-microcephaly-nevus flammeus simplex-severe intellectual disability syndrome. Last evaluated: 2023-11-22. Review status: criteria provided, single submitter. Criteria: ARUP Molecular Germline Variant Investigation Process 2024. Collection method: clinical testing. Allele origin: germline.

GeneDx
Classification: Likely benign. Last evaluated: 2015-11-18. Review status: criteria provided, single submitter. Criteria: GeneDx Variant Classification (06012015). Collection method: clinical testing. Allele origin: germline. Affected: yes.
Comment: This variant is considered likely benign or benign based on one or more of the following criteria: it is a conservative change, it occurs at a poorly conserved position in the protein, it is predicted to be benign by multiple in silico algorithms, and/or has population frequency not consistent with disease.

Breakthrough Genomics
Classification: Likely benign. Review status: criteria provided, single submitter. Criteria: ACMG Guidelines, 2015. Collection method: not provided. Allele origin: germline. Inheritance: Autosomal recessive inheritance. Affected: yes.

Molecular Genetics Laboratory, London Health Sciences Centre
Classification: Likely benign for Charcot-Marie-Tooth disease. Review status: criteria provided, single submitter. Criteria: ACMG Guidelines, 2015. Collection method: clinical testing. Allele origin: germline. Affected: yes.

NM_030973.4(MED25):c.664C>T (p.Leu222=)

Gene: MED25 (mediator complex subunit 25; plus strand). Cytogenetic location: 19q13.33.
Variant type: single nucleotide variant.
Coding change: c.664C>T on transcript NM_030973.4 (MANE Select); coding-DNA position 664, C replaced by T.
Protein change: p.Leu222=; no amino-acid change (leucine 222 retained).
Molecular consequence: synonymous variant.
Genome position (GRCh38, 1-based): chr19:49,829,924, C>T. VCF-style: chr19-49829924-C-T. GRCh37 (hg19) VCF-style: chr19-50333181-C-T.
Other names: c.664C>T, p.Leu222= (NM_001378355.1).
Identifiers: ClinVar variation 215945 (VCV000215945.23), dbSNP rs147538736, ClinGen allele CA339032.
Genomic context (GRCh38, chr19:49,829,924, plus strand): 5'-GCCTTGCTGGAGCCGCTGCAGCCTCCGACAGATGTGAGCCAGGACCCGAGGCACATGGTG[C>T]TGGTTCGGGGACTCGTGCTGCCTGGTGAGGCCTGGGCACCGTGCGCGGGGATGGGGGCTC-3'
Protein context (NP_112235.2, residues 212-232): DVSQDPRHMV[Leu222=]VRGLVLPVGG